The following is an entry in ClinVar:

NM_001386298.1(CIC):c.3176A>G (p.Asp1059Gly)

Gene: CIC (capicua transcriptional repressor; plus strand). Cytogenetic location: 19q13.2.
Variant type: single nucleotide variant.
Coding change: c.3176A>G on transcript NM_001386298.1 (MANE Select); coding-DNA position 3176, A replaced by G.
Protein change: p.Asp1059Gly; replaces aspartic acid 1059 with glycine.
Molecular consequence: missense variant.
Genome position (GRCh38, 1-based): chr19:42,287,237, A>G. VCF-style: chr19-42287237-A-G. GRCh37 (hg19) VCF-style: chr19-42791389-A-G.
Other names: c.3176A>G, p.Asp1059Gly (NM_001304815.2, NM_001379480.1, NM_001379482.1); c.449A>G, p.Asp150Gly (NM_001379484.1, NM_001379485.1, NM_015125.5); short protein forms D1059G, D150G.
Identifiers: ClinVar variation 3368632 (VCV003368632.1).

ClinVar aggregate classification (germline): Uncertain significance (1 of 4 stars; one submission).

Submission:

GeneDx
Classification: Uncertain significance. Last evaluated: 2024-01-31. Review status: criteria provided, single submitter. Criteria: GeneDx Variant Classification Process June 2021. Collection method: clinical testing. Allele origin: germline. Affected: yes.
Comment: Has not been previously published as pathogenic or benign to our knowledge; In silico analysis supports that this missense variant has a deleterious effect on protein structure/function; In silico analysis supports a deleterious effect on splicing; Not observed at significant frequency in large population cohorts (gnomAD)